The following is an entry in ClinVar:

ClinVar aggregate classification (germline): Uncertain significance (0 of 4 stars; one submission).

Conditions:
MYO5B-related disorder. Also called: MYO5B-related condition.

gnomAD v4.1: 2 of 1,614,090 alleles (0.00012%); highest among the groups gnomAD compares: Non-Finnish European, 0.00017%; no homozygotes.

Submission:

PreventionGenetics, part of Exact Sciences
Classification: Uncertain significance for MYO5B-related condition. Last evaluated: 2024-08-22. Review status: no assertion criteria provided. Collection method: clinical testing. Allele origin: germline.
Comment: The MYO5B c.3389A>G variant is predicted to result in the amino acid substitution p.Gln1130Arg. To our knowledge, this variant has not been reported in the literature or in a large population database, indicating this variant is rare. At this time, the clinical significance of this variant is uncertain due to the absence of conclusive functional and genetic evidence.

NM_001080467.3(MYO5B):c.3389A>G (p.Gln1130Arg)

Gene: MYO5B (myosin VB; minus strand). Cytogenetic location: 18q21.1.
Variant type: single nucleotide variant.
Coding change: c.3389A>G on transcript NM_001080467.3 (MANE Select); coding-DNA position 3389, A replaced by G.
Protein change: p.Gln1130Arg; replaces glutamine 1130 with arginine.
Molecular consequence: missense variant.
Genome position (GRCh38, 1-based): chr18:49,877,770, T>C on the plus strand (A>G on the coding strand, the complement: MYO5B is on the minus strand). VCF-style: chr18-49877770-T-C. GRCh37 (hg19) VCF-style: chr18-47404140-T-C.
Other names: short protein forms Q1130R.
Identifiers: ClinVar variation 3351287 (VCV003351287.1).